The following is an entry in ClinVar:

ClinVar aggregate classification (germline): Pathogenic (1 of 4 stars; one submission).

Conditions:
Renal cysts and diabetes syndrome (RCAD). Also called: Familial hypoplastic, glomerulocystic kidney; MATURITY-ONSET DIABETES OF THE YOUNG, TYPE 5. Identifiers: Orphanet 93111, MedGen C0431693, MONDO:0007669, OMIM 137920.

Submission:

MVZ Medizinische Genetik Mainz
Classification: Pathogenic for Renal cysts and diabetes syndrome. Last evaluated: 2024-09-19. Review status: criteria provided, single submitter. Criteria: UK Practice Guidelines For Variant Classification V4 01 2020. Collection method: clinical testing. Allele origin: germline. Inheritance: Autosomal dominant inheritance. Affected: yes. Observed: 1 variant allele.
Comment: ACMG Criteria: PVS1,PS1_SUP,PM2_SUP,PP4

NM_000458.4(HNF1B):c.345-1G>C

Gene: HNF1B (HNF1 homeobox B; minus strand). Cytogenetic location: 17q12.
Variant type: single nucleotide variant.
Coding change: c.345-1G>C on transcript NM_000458.4 (MANE Select); the canonical splice acceptor site of the intron before coding-DNA position 345, G replaced by C.
Molecular consequence: splice acceptor variant.
Genome position (GRCh38, 1-based): chr17:37,739,640, C>G on the plus strand (G>C on the coding strand, the complement: HNF1B is on the minus strand). VCF-style: chr17-37739640-C-G. GRCh37 (hg19) VCF-style: chr17-36099631-C-G.
Other names: c.345-1G>C (NM_001304286.2, NM_001165923.4, NM_001411100.1).
Identifiers: ClinVar variation 3370321 (VCV003370321.1).